The following is an entry in ClinVar:

ClinVar aggregate classification (germline): Conflicting classifications of pathogenicity. Review status: criteria provided, conflicting classifications (1 of 4 stars). 2 submissions from 2 submitters: Uncertain significance (1); Likely benign (1). Last evaluated 2025-05-04.

Allele frequency attached by ClinVar (database versions not stated): ExAC 0.00001; gnomAD 0.00003; TOPMed 0.00004; gnomAD exomes 0.00005.
gnomAD v4.1: 76 of 1,614,004 alleles (0.0047%); highest among the groups gnomAD compares: East Asian, 0.0089%; no homozygotes.

Submissions (2):

Ambry Genetics
Classification: Likely benign. Last evaluated: 2025-05-04. Review status: criteria provided, single submitter. Criteria: Ambry Variant Classification Scheme 2023. Collection method: clinical testing. Allele origin: germline.

Labcorp Genetics (formerly Invitae), Labcorp
Classification: Uncertain significance. Last evaluated: 2025-01-06. Review status: criteria provided, single submitter. Criteria: Invitae Variant Classification Sherloc (09022015). Collection method: clinical testing. Allele origin: germline.
Comment: This sequence change replaces glycine, which is neutral and non-polar, with serine, which is neutral and polar, at codon 369 of the IGSF10 protein (p.Gly369Ser). This variant is present in population databases (rs781609575, gnomAD 0.005%). This variant has not been reported in the literature in individuals affected with IGSF10-related conditions. ClinVar contains an entry for this variant (Variation ID: 2416051). An algorithm developed to predict the effect of missense changes on protein structure and function outputs the following: PolyPhen-2: "Benign". The serine amino acid residue is found in multiple mammalian species, which suggests that this missense change does not adversely affect protein function. In summary, the available evidence is currently insufficient to determine the role of this variant in disease. Therefore, it has been classified as a Variant of Uncertain Significance.

NM_178822.5(IGSF10):c.1105G>A (p.Gly369Ser)

Gene: IGSF10 (immunoglobulin superfamily member 10; minus strand). Cytogenetic location: 3q25.1.
Variant type: single nucleotide variant.
Coding change: c.1105G>A on transcript NM_178822.5 (MANE Select); coding-DNA position 1105, G replaced by A.
Protein change: p.Gly369Ser; replaces glycine 369 with serine.
Molecular consequence: missense variant.
Genome position (GRCh38, 1-based): chr3:151,448,876, C>T on the plus strand (G>A on the coding strand, the complement: IGSF10 is on the minus strand). VCF-style: chr3-151448876-C-T. GRCh37 (hg19) VCF-style: chr3-151166664-C-T.
Other names: c.1105G>A (NM_178822.4); c.1105G>A, p.Gly369Ser (NM_001385060.1, NM_001385061.1, NM_001385062.1 and 1 more transcripts); short protein forms G369S.
Identifiers: ClinVar variation 2416051 (VCV002416051.7), dbSNP rs781609575, ClinGen allele CA2670606.
Genomic context (GRCh38, chr3:151,448,876, plus strand): 5'-CTAGTATCAGAGGAGAATCACTGTACAAAGCCAAAATTTGCCACACTGGCTGAATGTGAC[C>T]GTAATCTATGTTGCACACCAAAAATGTTGAAAATGAAGTATTTAGCACGATGTAGTCATT-3'
Protein context (NP_849144.2, residues 359-379): STFLVCNIDY[Gly369Ser]HIQPVWQILA